The following is an entry in ClinVar:

ClinVar aggregate classification (germline): Uncertain significance (1 of 4 stars; one submission).

Allele frequency attached by ClinVar (database versions not stated): gnomAD exomes below 0.00001; ExAC 0.00001.
gnomAD v4.1: 1 of 1,614,040 alleles (0.000062%); highest among the groups gnomAD compares: South Asian, 0.0011%; no homozygotes.

Submission:

Labcorp Genetics (formerly Invitae), Labcorp
Classification: Uncertain significance. Last evaluated: 2022-07-19. Review status: criteria provided, single submitter. Criteria: Invitae Variant Classification Sherloc (09022015). Collection method: clinical testing. Allele origin: germline.
Comment: This variant has not been reported in the literature in individuals affected with PPCS-related conditions. In summary, the available evidence is currently insufficient to determine the role of this variant in disease. Therefore, it has been classified as a Variant of Uncertain Significance. This variant is present in population databases (rs755339358, gnomAD 0.003%). This sequence change creates a premature translational stop signal (p.Ser281*) in the PPCS gene. While this is not anticipated to result in nonsense mediated decay, it is expected to disrupt the last 31 amino acid(s) of the PPCS protein.

NM_024664.4(PPCS):c.842C>A (p.Ser281Ter)

Genes: CCDC30 (coiled-coil domain containing 30; plus strand), PPCS (phosphopantothenoylcysteine synthetase; plus strand). Cytogenetic location: 1p34.2.
Variant type: single nucleotide variant.
Coding change: c.842C>A on transcript NM_024664.4 (MANE Select); coding-DNA position 842, C replaced by A.
Protein change: p.Ser281Ter; replaces serine 281 with a stop codon.
Molecular consequence: nonsense. On other transcripts: intron variant (2).
Genome position (GRCh38, 1-based): chr1:42,459,832, C>A. VCF-style: chr1-42459832-C-A. GRCh37 (hg19) VCF-style: chr1-42925503-C-A.
Other names: c.323C>A, p.Ser108Ter (NM_001077447.3, NM_001287506.1, NM_001287508.2 and 2 more transcripts); c.224C>A, p.Ser75Ter (NM_001287507.1); c.-880+2482C>A (NM_001355226.2); c.612+2482C>A (NM_001287511.2); short protein forms S108*, S281*, S75*.
Identifiers: ClinVar variation 1974946 (VCV001974946.5), dbSNP rs755339358, ClinGen allele CA800083.
Genomic context (GRCh38, chr1:42,459,832, plus strand): 5'-AGTCACGACAGTCCTTTGTGTTTATTGTAACCAAAGACTCGGAAACCAAGTTATTGCTAT[C>A]AGAGGAAGAAATAGAAAAAGGCGTAGAGATAGAAGAGAAGATAGTGGATAATCTTCAGTC-3'